The following is an entry in ClinVar:

ClinVar aggregate classification (germline): Benign/Likely benign. Review status: criteria provided, multiple submitters, no conflicts (2 of 4 stars). 3 submissions from 3 submitters: Benign (2); Likely benign (1). Last evaluated 2018-07-03.

Conditions:
Doyne honeycomb retinal dystrophy (DHRD). Also called: DOYNE HONEYCOMB DEGENERATION OF RETINA; MALATTIA LEVENTINESE; DRUSEN, RADIAL, AUTOSOMAL DOMINANT. Identifiers: Orphanet 75376, MedGen C1832174, MONDO:0007471, OMIM 126600.

Allele frequency attached by ClinVar (database versions not stated): TOPMed 0.00363; gnomAD 0.00374 and 0.00434; 1000 Genomes Project 0.00559; 1000 Genomes Project 30x 0.00562; gnomAD exomes 0.00655.
gnomAD v4.1: 6,126 of 985,736 alleles (0.62%); highest among the groups gnomAD compares: South Asian, 2.4%; 24 homozygotes.

Submissions (3):

Blueprint Genetics
Classification: Likely benign. Last evaluated: 2018-07-03. Review status: criteria provided, single submitter. Criteria: ACMG Guidelines, 2015. Collection method: clinical testing. Allele origin: germline.

Illumina Laboratory Services, Illumina
Classification: Benign for Doyne honeycomb retinal dystrophy. Last evaluated: 2018-01-13. Review status: criteria provided, single submitter. Criteria: ICSL Variant Classification Criteria 13 December 2019. Collection method: clinical testing. Allele origin: germline.
Comment: This variant was observed in the ICSL laboratory as part of a predisposition screen in an ostensibly healthy population. It had not been previously curated by ICSL or reported in the Human Gene Mutation Database (HGMD: prior to June 1st, 2018), and was therefore a candidate for classification through an automated scoring system. Utilizing variant allele frequency, disease prevalence and penetrance estimates, and inheritance mode, an automated score was calculated to assess if this variant is too frequent to cause the disease. Based on the score and internal cut-off values, a variant classified as benign is not then subjected to further curation. The score for this variant resulted in a classification of benign for this disease.

Breakthrough Genomics
Classification: Benign. Review status: criteria provided, single submitter. Criteria: ACMG Guidelines, 2015. Collection method: not provided. Allele origin: germline. Inheritance: Autosomal dominant inheritance. Affected: yes.

NM_001039348.3(EFEMP1):c.-60G>A

Gene: EFEMP1 (EGF-like fibulin extracellular matrix protein 1; minus strand). Cytogenetic location: 2p16.1.
Variant type: single nucleotide variant.
Coding change: c.-60G>A on transcript NM_001039348.3 (MANE Select); 60 bases upstream of the start codon, G replaced by A.
Molecular consequence: 5 prime UTR variant.
Genome position (GRCh38, 1-based): chr2:55,923,722, C>T on the plus strand (G>A on the coding strand, the complement: EFEMP1 is on the minus strand). VCF-style: chr2-55923722-C-T. GRCh37 (hg19) VCF-style: chr2-56150857-C-T.
Other names: c.-19G>A (NM_001039349.3).
Identifiers: ClinVar variation 336635 (VCV000336635.7), dbSNP rs192789765, ClinGen allele CA10614184.